The following is an entry in ClinVar:

NM_198578.4(LRRK2):c.3014G>T (p.Cys1005Phe)

Gene: LRRK2 (leucine rich repeat kinase 2; plus strand). Cytogenetic location: 12q12.
Variant type: single nucleotide variant.
Coding change: c.3014G>T on transcript NM_198578.4 (MANE Select); coding-DNA position 3014, G replaced by T.
Protein change: p.Cys1005Phe; replaces cysteine 1005 with phenylalanine.
Molecular consequence: missense variant.
Genome position (GRCh38, 1-based): chr12:40,295,562, G>T. VCF-style: chr12-40295562-G-T. GRCh37 (hg19) VCF-style: chr12-40689364-G-T.
Other names: short protein forms C1005F.
Identifiers: ClinVar variation 3229585 (VCV003229585.1), dbSNP rs762075901, ClinGen allele CA6513798.
Genomic context (GRCh38, chr12:40,295,562, plus strand): 5'-CATCACTAGACCTTTCAGCAAATGAACTAAGAGATATTGATGCCCTAAGCCAGAAATGCT[G>T]TATAAGTGTTCATTTGGAGCATCTTGAAAAGCTGGAGCTTCACCAGAATGCACTCACGAG-3'
Protein context (NP_940980.4, residues 995-1015): RDIDALSQKC[Cys1005Phe]ISVHLEHLEK

ClinVar aggregate classification (germline): Uncertain significance (1 of 4 stars; one submission).

Conditions:
Inborn genetic diseases. Identifiers: MedGen C0950123, MeSH D030342.

Allele frequency attached by ClinVar (database versions not stated): ExAC 0.00001.
gnomAD v4.1: 1 of 1,614,018 alleles (0.000062%); highest among the groups gnomAD compares: South Asian, 0.0011%; no homozygotes.

Submission:

Ambry Genetics
Classification: Uncertain significance for Inborn genetic diseases. Last evaluated: 2024-02-06. Review status: criteria provided, single submitter. Criteria: Ambry Variant Classification Scheme 2023. Collection method: clinical testing. Allele origin: germline.
Comment: The p.C1005F variant (also known as c.3014G>T), located in coding exon 23 of the LRRK2 gene, results from a G to T substitution at nucleotide position 3014. The cysteine at codon 1005 is replaced by phenylalanine, an amino acid with highly dissimilar properties. This amino acid position is conserved. In addition, this alteration is predicted to be tolerated by in silico analysis. Based on the available evidence, the clinical significance of this alteration remains unclear.